The following is an entry in ClinVar:

ClinVar aggregate classification (germline): Uncertain significance (1 of 4 stars; one submission).

Submission:

Labcorp Genetics (formerly Invitae), Labcorp
Classification: Uncertain significance. Last evaluated: 2024-03-09. Review status: criteria provided, single submitter. Criteria: Invitae Variant Classification Sherloc (09022015). Collection method: clinical testing. Allele origin: germline.
Comment: This sequence change replaces glutamine, which is neutral and polar, with histidine, which is basic and polar, at codon 732 of the EXOC6B protein (p.Gln732His). This variant is not present in population databases (gnomAD no frequency). This variant has not been reported in the literature in individuals affected with EXOC6B-related conditions. Experimental studies and prediction algorithms are not available or were not evaluated, and the functional significance of this variant is currently unknown. In summary, the available evidence is currently insufficient to determine the role of this variant in disease. Therefore, it has been classified as a Variant of Uncertain Significance.

NM_015189.3(EXOC6B):c.2196A>C (p.Gln732His)

Gene: EXOC6B (exocyst complex component 6B; minus strand). Cytogenetic location: 2p13.2.
Variant type: single nucleotide variant.
Coding change: c.2196A>C on transcript NM_015189.3 (MANE Select); coding-DNA position 2196, A replaced by C.
Protein change: p.Gln732His; replaces glutamine 732 with histidine.
Molecular consequence: missense variant. On other transcripts: non-coding transcript variant (1).
Genome position (GRCh38, 1-based): chr2:72,334,947, T>G on the plus strand (A>C on the coding strand, the complement: EXOC6B is on the minus strand). VCF-style: chr2-72334947-T-G. GRCh37 (hg19) VCF-style: chr2-72562076-T-G.
Other names: c.2196A>C, p.Gln732His (NM_001321729.2, NM_001321731.2); c.2061A>C, p.Gln687His (NM_001321730.2, NM_001321733.2); c.1857A>C, p.Gln619His (NM_001321734.2); short protein forms Q619H, Q687H, Q732H.
Identifiers: ClinVar variation 3700959 (VCV003700959.2).